The following is an entry in ClinVar:

ClinVar aggregate classification (germline): Uncertain significance (1 of 4 stars; one submission).

Conditions:
Hereditary cancer-predisposing syndrome. Also called: Neoplastic Syndromes, Hereditary; Tumor predisposition; Hereditary Cancer Syndrome; Hereditary neoplastic syndrome. Identifiers: Orphanet 140162, MedGen C0027672, MeSH D009386, MONDO:0015356.

Allele frequency attached by ClinVar (database versions not stated): gnomAD exomes below 0.00001; TOPMed below 0.00001; gnomAD 0.00001.
gnomAD v4.1: 2 of 1,614,064 alleles (0.00012%); highest among the groups gnomAD compares: Non-Finnish European, 0.00017%; no homozygotes.

Submission:

Labcorp Genetics (formerly Invitae), Labcorp
Classification: Uncertain significance for Hereditary cancer-predisposing syndrome. Last evaluated: 2021-09-01. Review status: criteria provided, single submitter. Criteria: Invitae Variant Classification Sherloc (09022015). Collection method: clinical testing. Allele origin: germline.
Comment: Algorithms developed to predict the effect of missense changes on protein structure and function are either unavailable or do not agree on the potential impact of this missense change (SIFT: "Deleterious"; PolyPhen-2: "Probably Damaging"; Align-GVGD: "Class C0"). In summary, the available evidence is currently insufficient to determine the role of this variant in disease. Therefore, it has been classified as a Variant of Uncertain Significance. This variant is not present in population databases (ExAC no frequency). This variant has not been reported in the literature in individuals affected with RAD50-related conditions. This sequence change replaces glutamic acid with glycine at codon 1271 of the RAD50 protein (p.Glu1271Gly). The glutamic acid residue is highly conserved and there is a moderate physicochemical difference between glutamic acid and glycine.

NM_005732.4(RAD50):c.3812A>G (p.Glu1271Gly)

Genes: TH2LCRR (T helper type 2 locus control region associated RNA; minus strand), RAD50 (RAD50 double strand break repair protein; plus strand). Cytogenetic location: 5q31.1.
Variant type: single nucleotide variant.
Coding change: c.3812A>G on transcript NM_005732.4 (MANE Select); coding-DNA position 3812, A replaced by G.
Protein change: p.Glu1271Gly; replaces glutamic acid 1271 with glycine.
Molecular consequence: missense variant. On other transcripts: non-coding transcript variant (1).
Genome position (GRCh38, 1-based): chr5:132,642,237, A>G. VCF-style: chr5-132642237-A-G. GRCh37 (hg19) VCF-style: chr5-131977929-A-G.
Other names: short protein forms E1271G.
Identifiers: ClinVar variation 1002761 (VCV001002761.7), dbSNP rs1237132499, ClinGen allele CA360936567.